The following is an entry in ClinVar:

NM_012108.4(STAP1):c.102C>G (p.Ile34Met)

Gene: STAP1 (signal transducing adaptor family member 1; plus strand). Cytogenetic location: 4q13.2.
Variant type: single nucleotide variant.
Coding change: c.102C>G on transcript NM_012108.4 (MANE Select); coding-DNA position 102, C replaced by G.
Protein change: p.Ile34Met; replaces isoleucine 34 with methionine.
Molecular consequence: missense variant.
Genome position (GRCh38, 1-based): chr4:67,558,911, C>G. VCF-style: chr4-67558911-C-G. GRCh37 (hg19) VCF-style: chr4-68424629-C-G.
Other names: c.102C>G, p.Ile34Met (NM_001317769.2); short protein forms I34M.
Identifiers: ClinVar variation 4533761 (VCV004533761.6).

ClinVar aggregate classification (germline): Likely benign (1 of 4 stars; one submission).

gnomAD v4.1: 957 of 1,612,690 alleles (0.059%); highest among the groups gnomAD compares: South Asian, 0.96%; 9 homozygotes.

Submission:

CeGaT Center for Human Genetics Tuebingen
Classification: Likely benign. Last evaluated: 2025-10-01. Review status: criteria provided, single submitter. Criteria: CeGaT Center For Human Genetics Tuebingen Variant Classification Criteria Version 2. Collection method: clinical testing. Allele origin: germline. Affected: yes. Observed: 1 variant allele.
Comment: STAP1: BS2